The following is an entry in ClinVar:

ClinVar aggregate classification (germline): Uncertain significance (1 of 4 stars; one submission).

Conditions:
Danon disease. Also called: Glycogen Storage Disease Type IIb; ANTOPOL DISEASE; PSEUDOGLYCOGENOSIS II; GSD IIb; LYSOSOMAL GLYCOGEN STORAGE DISEASE WITHOUT ACID MALTASE DEFICIENCY. Identifiers: Orphanet 34587, MedGen C0878677, MONDO:0010281, OMIM 300257.

gnomAD v4.1: 2 of 1,135,624 alleles (0.00018%); highest among the groups gnomAD compares: Admixed American, 0.0022%; no homozygotes.

Submission:

Labcorp Genetics (formerly Invitae), Labcorp
Classification: Uncertain significance for Danon disease. Last evaluated: 2023-10-05. Review status: criteria provided, single submitter. Criteria: Invitae Variant Classification Sherloc (09022015). Collection method: clinical testing. Allele origin: germline.
Comment: This sequence change replaces tyrosine, which is neutral and polar, with cysteine, which is neutral and slightly polar, at codon 27 of the LAMP2 protein (p.Tyr27Cys). The frequency data for this variant in the population databases is considered unreliable, as metrics indicate poor data quality at this position in the gnomAD database. This variant has not been reported in the literature in individuals affected with LAMP2-related conditions. ClinVar contains an entry for this variant (Variation ID: 942246). Advanced modeling of protein sequence and biophysical properties (such as structural, functional, and spatial information, amino acid conservation, physicochemical variation, residue mobility, and thermodynamic stability) performed at Invitae indicates that this missense variant is not expected to disrupt LAMP2 protein function. Algorithms developed to predict the effect of sequence changes on RNA splicing suggest that this variant may disrupt the consensus splice site. In summary, the available evidence is currently insufficient to determine the role of this variant in disease. Therefore, it has been classified as a Variant of Uncertain Significance.

NM_002294.3(LAMP2):c.80A>G (p.Tyr27Cys)

Gene: LAMP2 (lysosome associated membrane protein 2; minus strand). Cytogenetic location: Xq24.
Variant type: single nucleotide variant.
Coding change: c.80A>G on transcript NM_002294.3 (MANE Select); coding-DNA position 80, A replaced by G.
Protein change: p.Tyr27Cys; replaces tyrosine 27 with cysteine.
Molecular consequence: missense variant.
Genome position (GRCh38, 1-based): chrX:120,456,754, T>C on the plus strand (A>G on the coding strand, the complement: LAMP2 is on the minus strand). VCF-style: chrX-120456754-T-C. GRCh37 (hg19) VCF-style: chrX-119590609-T-C.
Other names: c.80A>G, p.Tyr27Cys (NM_001122606.1, NM_013995.2); short protein forms Y27C.
Identifiers: ClinVar variation 942246 (VCV000942246.7), dbSNP rs1449153826, ClinGen allele CA414403789.